The following is an entry in ClinVar:

NM_002661.5(PLCG2):c.533G>A (p.Ser178Asn)

Gene: PLCG2 (phospholipase C gamma 2; plus strand). Cytogenetic location: 16q23.3.
Variant type: single nucleotide variant.
Coding change: c.533G>A on transcript NM_002661.5 (MANE Select); coding-DNA position 533, G replaced by A.
Protein change: p.Ser178Asn; replaces serine 178 with asparagine.
Molecular consequence: missense variant.
Genome position (GRCh38, 1-based): chr16:81,869,267, G>A. VCF-style: chr16-81869267-G-A. GRCh37 (hg19) VCF-style: chr16-81902872-G-A.
Other names: short protein forms S178N.
Identifiers: ClinVar variation 577745 (VCV000577745.15), dbSNP rs200981336, ClinGen allele CA8193256.

ClinVar aggregate classification (germline): Benign/Likely benign. Review status: criteria provided, multiple submitters, no conflicts (2 of 4 stars). 3 submissions from 3 submitters: Benign (1); Likely benign (1). 1 of the submissions does not count toward it. Last evaluated 2026-05-12.

Conditions:
Familial cold autoinflammatory syndrome 3 (FCAS3). Also called: FAMILIAL ATYPICAL COLD URTICARIA; ANTIBODY DEFICIENCY AND IMMUNE DYSREGULATION, PLCG2-ASSOCIATED. Identifiers: Orphanet 300359, MedGen C3280914, MONDO:0013766, OMIM 614468.
PLCG2-related disorder. Also called: PLCG2-related condition.

Allele frequency attached by ClinVar (database versions not stated): gnomAD exomes 0.00011 and 0.00016; ESP Exome Variant Server 0.00017; ExAC 0.00015; TOPMed 0.00015; gnomAD 0.00015.
gnomAD v4.1: 185 of 1,613,636 alleles (0.011%); highest among the groups gnomAD compares: Middle Eastern, 0.016%; no homozygotes.

Submissions (3):

Women's Health and Genetics/Laboratory Corporation of America, LabCorp
Classification: Likely benign. Last evaluated: 2026-05-12. Review status: criteria provided, single submitter. Criteria: LabCorp Variant Classification Summary - May 2015. Collection method: clinical testing. Allele origin: germline.
Comment: Variant summary: PLCG2 c.533G>A (p.Ser178Asn) results in a conservative amino acid change in the encoded protein sequence. Algorithms developed to predict the effect of missense changes on protein structure and function all suggest that this variant is likely to be tolerated. The variant allele was found at a frequency of 0.00016 in 249542 control chromosomes. The observed variant frequency exceeds the estimated maximal expected allele frequency for disease-causing variants in PLCG2. To our knowledge, no occurrence of c.533G>A in individuals affected with PLCG2-related conditions and no experimental evidence demonstrating its impact on protein function have been reported. ClinVar contains an entry for this variant (Variation ID: 577745). Based on the evidence outlined above, the variant was classified as likely benign.

Labcorp Genetics (formerly Invitae), Labcorp
Classification: Benign for Familial cold autoinflammatory syndrome 3. Last evaluated: 2025-12-26. Review status: criteria provided, single submitter. Criteria: Invitae Variant Classification Sherloc (09022015). Collection method: clinical testing. Allele origin: germline.

PreventionGenetics, part of Exact Sciences
Classification: Likely benign for PLCG2-related condition. Last evaluated: 2023-10-26. Review status: no assertion criteria provided. Collection method: clinical testing. Allele origin: germline. Not counted in ClinVar's aggregate classification.
Comment: This variant is classified as likely benign based on ACMG/AMP sequence variant interpretation guidelines (Richards et al. 2015 PMID: 25741868, with internal and published modifications).